The following is an entry in ClinVar:

ClinVar aggregate classification (germline): Uncertain significance (1 of 4 stars; one submission).

Conditions:
Intellectual developmental disorder, autosomal dominant 42. Also called: GNB1 Encephalopathy; Intellectual disability, autosomal dominant 42; Global developmental delay-neuro-ophthalmological abnormalities-seizures-intellectual disability syndrome. Identifiers: Orphanet 488613, MedGen C4310774, MONDO:0014855, OMIM 616973.

Submission:

Laboratoire Génétique Moléculaire, CHRU TOURS
Classification: Uncertain significance for Intellectual developmental disorder, autosomal dominant 42. Last evaluated: 2024-03-29. Review status: criteria provided, single submitter. Criteria: ACMG Guidelines, 2015. Collection method: clinical testing. Allele origin: de novo.
Comment: PS2

NM_002074.5(GNB1):c.593T>C (p.Leu198Pro)

Gene: GNB1 (G protein subunit beta 1; minus strand). Cytogenetic location: 1p36.33.
Variant type: single nucleotide variant.
Coding change: c.593T>C on transcript NM_002074.5 (MANE Select); coding-DNA position 593, T replaced by C.
Protein change: p.Leu198Pro; replaces leucine 198 with proline.
Molecular consequence: missense variant.
Genome position (GRCh38, 1-based): chr1:1,790,501, A>G on the plus strand (T>C on the coding strand, the complement: GNB1 is on the minus strand). VCF-style: chr1-1790501-A-G. GRCh37 (hg19) VCF-style: chr1-1721940-A-G.
Other names: c.293T>C, p.Leu98Pro (NM_001282538.2); c.593T>C, p.Leu198Pro (NM_001282539.2); short protein forms L198P, L98P.
Identifiers: ClinVar variation 4294378 (VCV004294378.1).